The following is an entry in ClinVar:

ClinVar aggregate classification (germline): Benign/Likely benign. Review status: criteria provided, multiple submitters, no conflicts (2 of 4 stars). 4 submissions from 4 submitters: Benign (1); Likely benign (3). Last evaluated 2025-12-13.

Conditions:
Hereditary nonpolyposis colorectal neoplasms. Identifiers: MedGen C0009405, MeSH D003123.
Hereditary cancer-predisposing syndrome. Also called: Neoplastic Syndromes, Hereditary; Hereditary neoplastic syndrome; Tumor predisposition; Hereditary Cancer Syndrome. Identifiers: Orphanet 140162, MedGen C0027672, MeSH D009386, MONDO:0015356.
Lynch syndrome 4 (LYNCH4). Also called: Hereditary non-polyposis colorectal cancer, type 4; Colorectal cancer, hereditary nonpolyposis, type 4. Identifiers: Orphanet 144, MedGen C1838333, MONDO:0013699, OMIM 614337. Disease mechanism: loss of function.

Allele frequency attached by ClinVar (database versions not stated): gnomAD 0.00001.

Submissions (4):

Labcorp Genetics (formerly Invitae), Labcorp
Classification: Likely benign for Hereditary nonpolyposis colorectal neoplasms. Last evaluated: 2025-12-13. Review status: criteria provided, single submitter. Criteria: Invitae Variant Classification Sherloc (09022015). Collection method: clinical testing. Allele origin: germline.

Myriad Genetics, Inc.
Classification: Benign for Lynch syndrome 4. Last evaluated: 2025-02-04. Review status: criteria provided, single submitter. Criteria: Myriad Autosomal Dominant, Autosomal Recessive and X-Linked Classification Criteria (2023). Collection method: clinical testing. Allele origin: unknown.
Comment: This variant is considered benign. This variant is a silent/synonymous amino acid change and it is not expected to impact splicing.

Color Diagnostics, LLC DBA Color Health
Classification: Likely benign for Hereditary cancer-predisposing syndrome. Last evaluated: 2023-10-05. Review status: criteria provided, single submitter. Criteria: ACMG Guidelines, 2015. Collection method: clinical testing. Allele origin: germline.

Ambry Genetics
Classification: Likely benign for Hereditary cancer-predisposing syndrome. Last evaluated: 2022-02-18. Review status: criteria provided, single submitter. Criteria: Ambry Variant Classification Scheme 2023. Collection method: clinical testing. Allele origin: germline.

NM_000535.7(PMS2):c.2469C>T (p.Asn823=)

Gene: PMS2 (PMS1 homolog 2, mismatch repair system component; minus strand). Cytogenetic location: 7p22.1.
Variant type: single nucleotide variant.
Coding change: c.2469C>T on transcript NM_000535.7 (MANE Select); coding-DNA position 2469, C replaced by T.
Protein change: p.Asn823=; no amino-acid change (asparagine 823 retained).
Molecular consequence: synonymous variant. On other transcripts: non-coding transcript variant (1).
Genome position (GRCh38, 1-based): chr7:5,973,519, G>A on the plus strand (C>T on the coding strand, the complement: PMS2 is on the minus strand). VCF-style: chr7-5973519-G-A. GRCh37 (hg19) VCF-style: chr7-6013150-G-A.
Other names: c.2064C>T, p.Asn688= (NM_001322003.2, NM_001322004.2, NM_001322005.2); c.2313C>T, p.Asn771= (NM_001322006.2); c.2151C>T, p.Asn717= (NM_001322007.2, NM_001322008.2); c.2097C>T, p.Asn699= (NM_001322009.2); c.1908C>T, p.Asn636= (NM_001322010.2); c.1536C>T, p.Asn512= (NM_001322011.2, NM_001322012.2); c.1896C>T, p.Asn632= (NM_001322013.2); c.2502C>T, p.Asn834= (NM_001322014.2); and 1 more.
Identifiers: ClinVar variation 237910 (VCV000237910.14), dbSNP rs878854048, ClinGen allele CA10582494.